The following is an entry in ClinVar:

NM_025081.3(NYNRIN):c.1570G>A (p.Val524Met)

Gene: NYNRIN (NYN domain and retroviral integrase containing; plus strand). Cytogenetic location: 14q12.
Variant type: single nucleotide variant.
Coding change: c.1570G>A on transcript NM_025081.3 (MANE Select); coding-DNA position 1570, G replaced by A.
Protein change: p.Val524Met; replaces valine 524 with methionine.
Molecular consequence: missense variant.
Genome position (GRCh38, 1-based): chr14:24,409,364, G>A. VCF-style: chr14-24409364-G-A. GRCh37 (hg19) VCF-style: chr14-24878570-G-A.
Other names: short protein forms V524M.
Identifiers: ClinVar variation 4737799 (VCV004737799.1).

ClinVar aggregate classification (germline): Uncertain significance (1 of 4 stars; one submission).

gnomAD v4.1: 48 of 1,614,040 alleles (0.003%); highest among the groups gnomAD compares: African/African-American, 0.039%; no homozygotes.

Submission:

Labcorp Genetics (formerly Invitae), Labcorp
Classification: Uncertain significance. Last evaluated: 2025-12-30. Review status: criteria provided, single submitter. Criteria: Invitae Variant Classification Sherloc (09022015). Collection method: clinical testing. Allele origin: germline.
Comment: This sequence change replaces valine, which is neutral and non-polar, with methionine, which is neutral and non-polar, at codon 524 of the NYNRIN protein (p.Val524Met). This variant is present in population databases (rs373058068, gnomAD 0.05%). This variant has not been reported in the literature in individuals affected with NYNRIN-related conditions. Experimental studies and prediction algorithms are not available or were not evaluated, and the functional significance of this variant is currently unknown. In summary, the available evidence is currently insufficient to determine the role of this variant in disease. Therefore, it has been classified as a Variant of Uncertain Significance.